The following is an entry in ClinVar:

ClinVar aggregate classification (germline): Likely benign (1 of 4 stars; one submission).

Conditions:
Hypertrophic cardiomyopathy. Also called: HYPERTROPHIC MYOCARDIOPATHY. Identifiers: Orphanet 217569, MedGen C0007194, MeSH D002312, MONDO:0005045, HP:0001639.

Submission:

All of Us Research Program, National Institutes of Health
Classification: Likely benign for Hypertrophic cardiomyopathy. Last evaluated: 2024-08-13. Review status: criteria provided, single submitter. Criteria: ACMG Guidelines, 2015. Collection method: clinical testing. Allele origin: germline. Inheritance: Autosomal dominant inheritance. Observed: 1 variant allele, 1 heterozygote.
Comment: This study involves interpretation of variants in research participants for the purpose of population health screening. Participant phenotype was not available at the time of variant classification. Additional details can be found in publication PMID: 35346344, PMCID: PMC8962531

NM_001018005.2(TPM1):c.102C>T (p.Asp34=)

Gene: TPM1 (tropomyosin 1; plus strand). Cytogenetic location: 15q22.2.
Variant type: single nucleotide variant.
Coding change: c.102C>T on transcript NM_001018005.2 (MANE Select); coding-DNA position 102, C replaced by T.
Protein change: p.Asp34=; no amino-acid change (aspartic acid 34 retained).
Molecular consequence: synonymous variant. On other transcripts: non-coding transcript variant (11).
Genome position (GRCh38, 1-based): chr15:63,042,931, C>T. VCF-style: chr15-63042931-C-T. GRCh37 (hg19) VCF-style: chr15-63335130-C-T.
Other names: c.102C>T, p.Asp34= (NM_000366.6, NM_001018004.2, NM_001018006.2 and 24 more transcripts).
Identifiers: ClinVar variation 3386130 (VCV003386130.1).
Genomic context (GRCh38, chr15:63,042,931, plus strand): 5'-CAAGGAGAACGCCTTGGATCGAGCTGAGCAGGCGGAGGCCGACAAGAAGGCGGCGGAAGA[C>T]AGGAGCAAGCAGGTCTGCGCCTCCCCGGCCCTGCGCCCGCGCCCAGAGCGCCGGGACTCG-3'
Protein context (NP_001018005.1, residues 24-44): QAEADKKAAE[Asp34=]RSKQLEDELV